The following is an entry in ClinVar:

NM_001458.5(FLNC):c.7122C>G (p.Val2374=)

Genes: FLNC-AS1 (FLNC antisense RNA 1; minus strand), FLNC (filamin C; plus strand). Cytogenetic location: 7q32.1.
Variant type: single nucleotide variant.
Coding change: c.7122C>G on transcript NM_001458.5 (MANE Select); coding-DNA position 7122, C replaced by G.
Protein change: p.Val2374=; no amino-acid change (valine 2374 retained).
Molecular consequence: synonymous variant.
Genome position (GRCh38, 1-based): chr7:128,854,899, C>G. VCF-style: chr7-128854899-C-G. GRCh37 (hg19) VCF-style: chr7-128494953-C-G.
Other names: c.7023C>G, p.Val2341= (NM_001127487.2).
Identifiers: ClinVar variation 1343548 (VCV001343548.3), dbSNP rs374711133, ClinGen allele CA166193100.

ClinVar aggregate classification (germline): Likely benign. Review status: criteria provided, multiple submitters, no conflicts (2 of 4 stars). 2 submissions from 2 submitters: Likely benign (2). Last evaluated 2024-03-28.

Conditions:
Myofibrillar myopathy 5. Also called: Filaminopathy (type); FILAMINOPATHY, AUTOSOMAL DOMINANT. Identifiers: Orphanet 171445, MedGen C1836050, MONDO:0012289, OMIM 609524.
Distal myopathy with posterior leg and anterior hand involvement. Also called: WILLIAMS DISTAL MYOPATHY. Identifiers: Orphanet 63273, MedGen C3279722, MONDO:0013550, OMIM 614065.
Hypertrophic cardiomyopathy 26. Also called: Cardiomyopathy, familial hypertrophic, 26. Identifiers: Orphanet 75249, MedGen C4310749, MONDO:0014883, OMIM 617047.

gnomAD v4.1: 15 of 1,613,954 alleles (0.00093%); highest among the groups gnomAD compares: Non-Finnish European, 0.0012%; no homozygotes.

Submissions (2):

Labcorp Genetics (formerly Invitae), Labcorp
Classification: Likely benign for Distal myopathy with posterior leg and anterior hand involvement; Myofibrillar myopathy 5; Hypertrophic cardiomyopathy 26. Last evaluated: 2024-03-28. Review status: criteria provided, single submitter. Criteria: Invitae Variant Classification Sherloc (09022015). Collection method: clinical testing. Allele origin: germline.

Women's Health and Genetics/Laboratory Corporation of America, LabCorp
Classification: Likely benign. Last evaluated: 2022-02-10. Review status: criteria provided, single submitter. Criteria: LabCorp Variant Classification Summary - May 2015. Collection method: clinical testing. Allele origin: germline.
Comment: Variant summary: FLNC c.7122C>G alters a non-conserved nucleotide resulting in a synonymous change. 4/4 computational tools predict no significant impact on normal splicing. However, these predictions have yet to be confirmed by functional studies. The variant was absent in 249450 control chromosomes. The available data on variant occurrences in the general population are insufficient to allow any conclusion about variant significance. To our knowledge, no occurrence of c.7122C>G in individuals affected with Cardiomyopathy and no experimental evidence demonstrating its impact on protein function have been reported. No clinical diagnostic laboratories have submitted clinical-significance assessments for this variant to ClinVar after 2014. Based on the evidence outlined above, the variant was classified as likely benign.